The following is an entry in ClinVar:

NM_015335.5(MED13L):c.2044A>G (p.Ile682Val)

Gene: MED13L (mediator complex subunit 13L; minus strand). Cytogenetic location: 12q24.21.
Variant type: single nucleotide variant.
Coding change: c.2044A>G on transcript NM_015335.5 (MANE Select); coding-DNA position 2044, A replaced by G.
Protein change: p.Ile682Val; replaces isoleucine 682 with valine.
Molecular consequence: missense variant.
Genome position (GRCh38, 1-based): chr12:116,007,605, T>C on the plus strand (A>G on the coding strand, the complement: MED13L is on the minus strand). VCF-style: chr12-116007605-T-C. GRCh37 (hg19) VCF-style: chr12-116445410-T-C.
Other names: short protein forms I682V.
Identifiers: ClinVar variation 4737899 (VCV004737899.1).

ClinVar aggregate classification (germline): Uncertain significance (1 of 4 stars; one submission).

Conditions:
Dextro-looped transposition of the great arteries. Also called: Dextrotransposition of the great arteries. Identifiers: Orphanet 860, MedGen C3531771, MONDO:0019443, OMIM 608808, HP:0031348.

gnomAD v4.1: 34 of 1,610,992 alleles (0.0021%); highest among the groups gnomAD compares: Non-Finnish European, 0.0026%; no homozygotes.

Submission:

Labcorp Genetics (formerly Invitae), Labcorp
Classification: Uncertain significance for Dextro-looped transposition of the great arteries. Last evaluated: 2025-09-08. Review status: criteria provided, single submitter. Criteria: Invitae Variant Classification Sherloc (09022015). Collection method: clinical testing. Allele origin: germline.
Comment: This sequence change replaces isoleucine, which is neutral and non-polar, with valine, which is neutral and non-polar, at codon 682 of the MED13L protein (p.Ile682Val). This variant is present in population databases (no rsID available, gnomAD 0.0009%). This variant has not been reported in the literature in individuals affected with MED13L-related conditions. Invitae Evidence Modeling of protein sequence and biophysical properties (such as structural, functional, and spatial information, amino acid conservation, physicochemical variation, residue mobility, and thermodynamic stability) indicates that this missense variant is not expected to disrupt MED13L protein function with a negative predictive value of 80%. In summary, the available evidence is currently insufficient to determine the role of this variant in disease. Therefore, it has been classified as a Variant of Uncertain Significance.